The following is an entry in ClinVar:

NM_001079866.2(BCS1L):c.1074C>T (p.His358=)

Gene: BCS1L (BCS1 ubiquinol-cytochrome c reductase complex chaperone; plus strand). Cytogenetic location: 2q35.
Variant type: single nucleotide variant.
Coding change: c.1074C>T on transcript NM_001079866.2 (MANE Select); coding-DNA position 1074, C replaced by T.
Protein change: p.His358=; no amino-acid change (histidine 358 retained).
Molecular consequence: synonymous variant. On other transcripts: non-coding transcript variant (1).
Genome position (GRCh38, 1-based): chr2:218,663,200, C>T. VCF-style: chr2-218663200-C-T. GRCh37 (hg19) VCF-style: chr2-219527923-C-T.
Other names: c.1074C>T, p.His358= (NM_001257342.2, NM_001257343.2, NM_001257344.2 and 10 more transcripts); c.714C>T, p.His238= (NM_001318836.2, NM_001371451.1); c.573C>T, p.His191= (NM_001371452.1, NM_001371453.1, NM_001371454.1 and 3 more transcripts).
Identifiers: ClinVar variation 1112533 (VCV001112533.28), dbSNP rs752599536, ClinGen allele CA65811820.
Genomic context (GRCh38, chr2:218,663,200, plus strand): 5'-CCCTGCCCTGATACGCCCGGGGCGAGTGGACCTGAAGGAGTACGTGGGCTACTGCTCACA[C>T]TGGCAGCTGACCCAGATGTTCCAGAGGTTCTATCCAGGGCAGGCACCTTCCTTAGCTGAG-3'
Protein context (NP_001073335.1, residues 348-368): DLKEYVGYCS[His358=]WQLTQMFQRF

ClinVar aggregate classification (germline): Likely benign. Review status: criteria provided, multiple submitters, no conflicts (2 of 4 stars). 2 submissions from 2 submitters: Likely benign (2). Last evaluated 2026-01-28.

Allele frequency attached by ClinVar (database versions not stated): TOPMed 0.00002.

Submissions (2):

Labcorp Genetics (formerly Invitae), Labcorp
Classification: Likely benign. Last evaluated: 2026-01-28. Review status: criteria provided, single submitter. Criteria: Invitae Variant Classification Sherloc (09022015). Collection method: clinical testing. Allele origin: germline.

CeGaT Center for Human Genetics Tuebingen
Classification: Likely benign. Last evaluated: 2024-05-01. Review status: criteria provided, single submitter. Criteria: CeGaT Center For Human Genetics Tuebingen Variant Classification Criteria Version 2. Collection method: clinical testing. Allele origin: germline. Affected: yes. Observed: 1 variant allele.
Comment: BCS1L: BP4, BP7